The following is an entry in ClinVar:

ClinVar aggregate classification (germline): Likely pathogenic. Review status: reviewed by expert panel (3 of 4 stars). 2 submissions from 2 submitters: Likely pathogenic (1). 1 of the submissions does not count toward it. Last evaluated 2026-10-05.

Conditions:
Hereditary thrombocytopenia and hematological cancer predisposition syndrome associated with RUNX1. Also called: Familial Platelet Disorder with Propensity to Acute Myelogenous Leukemia; Familial thrombocytopenia with propensity to acute myelogenous leukemia; RUNX1 Familial Platelet Disorder with Associated Myeloid Malignancies; PLATELET DISORDER, ASPIRIN-LIKE. Identifiers: Orphanet 71290, MedGen C1832388, MeSH C563324, MONDO:0100083, OMIM 601399.
Hereditary thrombocytopenia and hematologic cancer predisposition syndrome. Identifiers: Orphanet 71290, MedGen CN281654, MONDO:0011071.

Submissions (2):

ClinGen Myeloid Malignancy Variant Curation Expert Panel
Classification: Likely pathogenic for Hereditary thrombocytopenia and hematologic cancer predisposition syndrome. Last evaluated: 2026-10-05. Review status: reviewed by expert panel. Criteria: ClinGen MyeloMalig ACMG Specifications V3.1. Collection method: curation. Allele origin: germline. Inheritance: Autosomal dominant inheritance.
Comment: NM_001754.5(RUNX1):c.965del (p.Ser322Ter) is a nonsense variant which is not predicted to undergo NMD (PVS1_Strong). This variant is downstream of c.98 (PM5_Supporting) and is completely absent from all population databases with at least 20x coverage for RUNX1 (PM2_Supporting). In summary, this variant meets criteria to be classified as likely pathogenic. ACMG/AMP criteria applied, as specified by the ClinGen Myeloid Malignancy Variant Curation Expert Panel for RUNX1: PVS1_Strong, PM5_Supporting, PM2_Supporting.

Labcorp Genetics (formerly Invitae), Labcorp
Classification: Uncertain significance for Hereditary thrombocytopenia and hematological cancer predisposition syndrome associated with RUNX1. Last evaluated: 2021-11-19. Review status: criteria provided, single submitter. Criteria: Invitae Variant Classification Sherloc (09022015). Collection method: clinical testing. Allele origin: germline. Not counted in ClinVar's aggregate classification.
Comment: In summary, the available evidence is currently insufficient to determine the role of this variant in disease. Therefore, it has been classified as a Variant of Uncertain Significance. This variant has not been reported in the literature in individuals affected with RUNX1-related conditions. This variant is not present in population databases (gnomAD no frequency). This sequence change creates a premature translational stop signal (p.Ser322*) in the RUNX1 gene. While this is not anticipated to result in nonsense mediated decay, it is expected to disrupt the last 159 amino acid(s) of the RUNX1 protein.

NM_001754.5(RUNX1):c.965del (p.Leu321_Ser322insTer)

Gene: RUNX1 (RUNX family transcription factor 1; minus strand). Cytogenetic location: 21q22.12.
Variant type: Deletion.
Coding change: c.965del on transcript NM_001754.5 (MANE Select); coding-DNA position 965, one base deleted (C; older notation c.965delC).
Protein change: p.Leu321_Ser322insTer.
Molecular consequence: nonsense.
Genome position (GRCh38, 1-based): chr21:34,799,303, G deleted on the plus strand (C on the coding strand, the reverse complement: RUNX1 is on the minus strand). VCF-style (leftmost placement, unchanged base first): chr21-34799302-TG-T. GRCh37 (hg19) VCF-style: chr21-36171599-TG-T.
Other names: NM_001754.5(RUNX1):c.965del; p.Leu321_Ser322insTer; c.884del, p.Leu294_Ser295insTer (NM_001001890.3).
Identifiers: ClinVar variation 1460663 (VCV001460663.8), dbSNP rs2145906988, ClinGen allele CA2573157369.
Genomic context (GRCh38, chr21:34,799,302, plus strand): 5'-AGTCTCCTGGACCTTCCACCCCAGCTCAGCTGCAAAGAATGTGTTTTCAAGTGGCTTACT[TG>T]AGAGTCGACTGGAAAGTTCTGCAGAGAGGGTTGTCATGCCGCTGGCACGTCCAGGTGAAA-3'